The following is an entry in ClinVar:

NM_006885.4(ZFHX3):c.3916G>A (p.Val1306Ile)

Genes: ZFHX3 (zinc finger homeobox 3; minus strand), ZFHX3-AS1 (ZFHX3 antisense RNA 1; plus strand). Cytogenetic location: 16q22.3.
Variant type: single nucleotide variant.
Coding change: c.3916G>A on transcript NM_006885.4 (MANE Select); coding-DNA position 3916, G replaced by A.
Protein change: p.Val1306Ile; replaces valine 1306 with isoleucine.
Molecular consequence: missense variant.
Genome position (GRCh38, 1-based): chr16:72,800,078, C>T on the plus strand (G>A on the coding strand, the complement: ZFHX3 is on the minus strand). VCF-style: chr16-72800078-C-T. GRCh37 (hg19) VCF-style: chr16-72833977-C-T.
Other names: c.1174G>A, p.Val392Ile (NM_001164766.2); c.3916G>A, p.Val1306Ile (NM_001386735.1); short protein forms V1306I, V392I.
Identifiers: ClinVar variation 3373377 (VCV003373377.1).

ClinVar aggregate classification (germline): Uncertain significance (1 of 4 stars; one submission).

gnomAD v4.1: 19 of 1,614,192 alleles (0.0012%); highest among the groups gnomAD compares: Non-Finnish European, 0.0015%; no homozygotes.

Submission:

GeneDx
Classification: Uncertain significance. Last evaluated: 2024-04-30. Review status: criteria provided, single submitter. Criteria: GeneDx Variant Classification Process June 2021. Collection method: clinical testing. Allele origin: germline. Affected: yes.
Comment: In silico analysis indicates that this missense variant does not alter protein structure/function; Has not been previously published as pathogenic or benign to our knowledge